The following is an entry in ClinVar:

ClinVar aggregate classification (germline): Likely benign (1 of 4 stars; one submission).

Allele frequency attached by ClinVar (database versions not stated): gnomAD 0.00110.

Submission:

CeGaT Center for Human Genetics Tuebingen
Classification: Likely benign. Last evaluated: 2023-02-01. Review status: criteria provided, single submitter. Criteria: CeGaT Center For Human Genetics Tuebingen Variant Classification Criteria Version 2. Collection method: clinical testing. Allele origin: germline. Affected: yes. Observed: 2 variant alleles.
Comment: DSPP: BP4, BS2

NM_014208.3(DSPP):c.3312C>A (p.Asp1104Glu)

Genes: DMP1-AS1 (DMP1 and DSPP antisense RNA 1; minus strand), DSPP (dentin sialophosphoprotein; plus strand). Cytogenetic location: 4q22.1.
Variant type: single nucleotide variant.
Coding change: c.3312C>A on transcript NM_014208.3 (MANE Select); coding-DNA position 3312, C replaced by A.
Protein change: p.Asp1104Glu; replaces aspartic acid 1104 with glutamic acid.
Molecular consequence: missense variant.
Genome position (GRCh38, 1-based): chr4:87,615,974, C>A. VCF-style: chr4-87615974-C-A. GRCh37 (hg19) VCF-style: chr4-88537126-C-A.
Other names: short protein forms D1104E.
Identifiers: ClinVar variation 2654908 (VCV002654908.24), dbSNP rs766191304, ClinGen allele CA3001584.